The following is an entry in ClinVar:

ClinVar aggregate classification (germline): Uncertain significance (1 of 4 stars; one submission).

Submission:

GeneDx
Classification: Uncertain significance. Last evaluated: 2025-06-12. Review status: criteria provided, single submitter. Criteria: GeneDx Variant Classification Process June 2021. Collection method: clinical testing. Allele origin: germline. Affected: yes.
Comment: Not observed at significant frequency in large population cohorts (gnomAD); In silico analysis supports that this missense variant has a deleterious effect on protein structure/function; Has not been previously published as pathogenic or benign to our knowledge

NM_005862.3(STAG1):c.2872C>T (p.Arg958Cys)

Gene: STAG1 (STAG1 cohesin complex component; minus strand). Cytogenetic location: 3q22.3.
Variant type: single nucleotide variant.
Coding change: c.2872C>T on transcript NM_005862.3 (MANE Select); coding-DNA position 2872, C replaced by T.
Protein change: p.Arg958Cys; replaces arginine 958 with cysteine.
Molecular consequence: missense variant.
Genome position (GRCh38, 1-based): chr3:136,359,212, G>A on the plus strand (C>T on the coding strand, the complement: STAG1 is on the minus strand). VCF-style: chr3-136359212-G-A. GRCh37 (hg19) VCF-style: chr3-136078054-G-A.
Other names: short protein forms R958C.
Identifiers: ClinVar variation 4537758 (VCV004537758.1).